The following is an entry in ClinVar:

ClinVar aggregate classification (germline): Uncertain significance (1 of 4 stars; one submission).

Conditions:
Catecholaminergic polymorphic ventricular tachycardia 1. Also called: VENTRICULAR TACHYCARDIA, STRESS-INDUCED POLYMORPHIC 1; RYR2-Related Catecholaminergic Polymorphic Ventricular Tachycardia; VENTRICULAR TACHYCARDIA, CATECHOLAMINERGIC POLYMORPHIC, 1, WITH OR WITHOUT ATRIAL DYSFUNCTION AND/OR DILATED CARDIOMYOPATHY. Identifiers: Orphanet 3286, MedGen C1631597, MONDO:0011484, OMIM 604772.

Submission:

Labcorp Genetics (formerly Invitae), Labcorp
Classification: Uncertain significance for Catecholaminergic polymorphic ventricular tachycardia 1. Last evaluated: 2022-11-24. Review status: criteria provided, single submitter. Criteria: Invitae Variant Classification Sherloc (09022015). Collection method: clinical testing. Allele origin: germline.
Comment: This sequence change falls in intron 65 of the RYR2 gene. It does not directly change the encoded amino acid sequence of the RYR2 protein. This variant is not present in population databases (gnomAD no frequency). This variant has not been reported in the literature in individuals affected with RYR2-related conditions. Algorithms developed to predict the effect of sequence changes on RNA splicing suggest that this variant may disrupt the consensus splice site. In summary, the available evidence is currently insufficient to determine the role of this variant in disease. Therefore, it has been classified as a Variant of Uncertain Significance.

NM_001035.3(RYR2):c.9368-12_9368-11del

Gene: RYR2 (ryanodine receptor 2; plus strand). Cytogenetic location: 1q43.
Variant type: Microsatellite.
Coding change: c.9368-12_9368-11del on transcript NM_001035.3 (MANE Select); 12 bases into the intron before coding-DNA position 9368 through 11 bases into the intron before coding-DNA position 9368, 2 bases deleted (CT; older notation c.9368-12_9368-11delCT).
Molecular consequence: intron variant.
Genome position (GRCh38, 1-based): chr1:237,701,966-237,701,967, CT deleted; deleting any 2 consecutive bases within chr1:237,701,963-237,701,967 gives the same sequence; the c. name uses the placement nearest the transcript's 3' end. VCF-style (leftmost placement, unchanged base first): chr1-237701962-TTC-T. GRCh37 (hg19) VCF-style: chr1-237865262-TTC-T.
Identifiers: ClinVar variation 2151858 (VCV002151858.4), dbSNP rs1488434080, ClinGen allele CA733326737.